The following is an entry in ClinVar:

ClinVar aggregate classification (germline): Uncertain significance. Review status: criteria provided, multiple submitters, no conflicts (2 of 4 stars). 3 submissions from 3 submitters: Uncertain significance (3). Last evaluated 2023-01-03.

Conditions:
Dilated cardiomyopathy 1G (CMD1G). Identifiers: Orphanet 154, MedGen C1858763, MONDO:0011400, OMIM 604145.
Autosomal recessive limb-girdle muscular dystrophy type 2J (LGMDR10). Also called: Limb-girdle muscular dystrophy, type 2J; MUSCULAR DYSTROPHY, LIMB-GIRDLE, AUTOSOMAL RECESSIVE 10. Identifiers: Orphanet 140922, MedGen C1837342, MONDO:0012127, OMIM 608807.

Allele frequency attached by ClinVar (database versions not stated): TOPMed 0.00003.
gnomAD v4.1: 40 of 1,613,840 alleles (0.0025%); highest among the groups gnomAD compares: East Asian, 0.0045%; no homozygotes.

Submissions (3):

Revvity Omics, Revvity
Classification: Uncertain significance. Last evaluated: 2023-01-03. Review status: criteria provided, single submitter. Criteria: ACMG Guidelines, 2015. Collection method: clinical testing. Allele origin: germline.

Labcorp Genetics (formerly Invitae), Labcorp
Classification: Uncertain significance for Dilated cardiomyopathy 1G; Autosomal recessive limb-girdle muscular dystrophy type 2J. Last evaluated: 2016-08-01. Review status: criteria provided, single submitter. Criteria: Invitae Variant Classification Sherloc (09022015). Collection method: clinical testing. Allele origin: germline.

Laboratory for Molecular Medicine, Mass General Brigham Personalized Medicine
Classification: Uncertain significance. Last evaluated: 2014-11-12. Review status: criteria provided, single submitter. Criteria: LMM Criteria. Collection method: clinical testing. Allele origin: germline. Observed: 1 variant allele.
Comment: The p.Arg1159His variant in TTN has not been previously reported in individuals with cardiomyopathy or in large population studies. Computational prediction to ols and conservation analysis do not provide strong support for or against an im pact to the protein. In summary, the clinical significance of the p.Arg1159His v ariant is uncertain.

NM_001267550.2(TTN):c.3476G>A (p.Arg1159His)

Gene: TTN (titin; minus strand). Cytogenetic location: 2q31.2.
Variant type: single nucleotide variant.
Coding change: c.3476G>A on transcript NM_001267550.2 (MANE Select); coding-DNA position 3476, G replaced by A.
Protein change: p.Arg1159His; replaces arginine 1159 with histidine.
Molecular consequence: missense variant.
Genome position (GRCh38, 1-based): chr2:178,781,168, C>T on the plus strand (G>A on the coding strand, the complement: TTN is on the minus strand). VCF-style: chr2-178781168-C-T. GRCh37 (hg19) VCF-style: chr2-179645895-C-T.
Other names: c.3476G>A, p.Arg1159His (NM_001256850.1, NM_133379.5, NM_133378.4); c.3338G>A, p.Arg1113His (NM_003319.4, NM_133432.3, NM_133437.4); short protein forms R1159H, R1113H.
Identifiers: ClinVar variation 166329 (VCV000166329.10), dbSNP rs149883066, ClinGen allele CA179366.